The following is an entry in ClinVar:

ClinVar aggregate classification (germline): Uncertain significance (1 of 4 stars; one submission).

Conditions:
Microcephaly, normal intelligence and immunodeficiency (NBS). Also called: IMMUNODEFICIENCY, MICROCEPHALY, AND CHROMOSOMAL INSTABILITY; SEEMANOVA SYNDROME II; BERLIN BREAKAGE SYNDROME; Nijmegen breakage syndrome; Microcephaly with normal intelligence immunodeficiency and lymphoreticular malignancies; Nonsyndromal microcephaly autosomal recessive with normal intelligence. Identifiers: Orphanet 647, MedGen C0398791, MONDO:0009623, OMIM 251260.

Submission:

Labcorp Genetics (formerly Invitae), Labcorp
Classification: Uncertain significance for Microcephaly, normal intelligence and immunodeficiency. Last evaluated: 2023-04-19. Review status: criteria provided, single submitter. Criteria: Invitae Variant Classification Sherloc (09022015). Collection method: clinical testing. Allele origin: germline.
Comment: This sequence change replaces glutamic acid, which is acidic and polar, with glycine, which is neutral and non-polar, at codon 185 of the NBN protein (p.Glu185Gly). This variant is not present in population databases (gnomAD no frequency). This variant has not been reported in the literature in individuals affected with NBN-related conditions. In summary, the available evidence is currently insufficient to determine the role of this variant in disease. Therefore, it has been classified as a Variant of Uncertain Significance. An algorithm developed to predict the effect of missense changes on protein structure and function (PolyPhen-2) suggests that this variant is likely to be tolerated.

NM_002485.5(NBN):c.554A>G (p.Glu185Gly)

Gene: NBN (nibrin; minus strand). Cytogenetic location: 8q21.3.
Variant type: single nucleotide variant.
Coding change: c.554A>G on transcript NM_002485.5 (MANE Select); coding-DNA position 554, A replaced by G.
Protein change: p.Glu185Gly; replaces glutamic acid 185 with glycine.
Molecular consequence: missense variant.
Genome position (GRCh38, 1-based): chr8:89,978,250, T>C on the plus strand (A>G on the coding strand, the complement: NBN is on the minus strand). VCF-style: chr8-89978250-T-C. GRCh37 (hg19) VCF-style: chr8-90990478-T-C.
Other names: c.308A>G, p.Glu103Gly (NM_001024688.3); short protein forms E103G, E185G.
Identifiers: ClinVar variation 2857554 (VCV002857554.3), dbSNP rs2488343671, ClinGen allele CA371660200.